The following is an entry in ClinVar:

ClinVar aggregate classification (germline): Uncertain significance (1 of 4 stars; one submission).

Conditions:
DICER1-related tumor predisposition. Also called: DICER1 syndrome; DICER1-related pleuropulmonary blastoma cancer predisposition syndrome. Identifiers: Orphanet 284343, MedGen C3839822, MONDO:0100216.

Submission:

Labcorp Genetics (formerly Invitae), Labcorp
Classification: Uncertain significance for DICER1-related tumor predisposition. Last evaluated: 2024-09-19. Review status: criteria provided, single submitter. Criteria: Invitae Variant Classification Sherloc (09022015). Collection method: clinical testing. Allele origin: germline.
Comment: This variant, c.3355_3357del, results in the deletion of 1 amino acid(s) of the DICER1 protein (p.Asp1119del), but otherwise preserves the integrity of the reading frame. This variant is not present in population databases (gnomAD no frequency). This variant has not been reported in the literature in individuals affected with DICER1-related conditions. Experimental studies and prediction algorithms are not available or were not evaluated, and the functional significance of this variant is currently unknown. In summary, the available evidence is currently insufficient to determine the role of this variant in disease. Therefore, it has been classified as a Variant of Uncertain Significance.

NM_177438.3(DICER1):c.3355_3357del (p.Asp1119del)

Gene: DICER1 (dicer 1, ribonuclease III; minus strand). Cytogenetic location: 14q32.13.
Variant type: Deletion.
Coding change: c.3355_3357del on transcript NM_177438.3 (MANE Select); coding-DNA positions 3355 to 3357, 3 bases deleted (GAT; older notation c.3355_3357delGAT).
Protein change: p.Asp1119del; deletes aspartic acid 1119.
Molecular consequence: non-coding transcript variant (on NR_172715.1).
Genome position (GRCh38, 1-based): chr14:95,104,039-95,104,041, ATC deleted on the plus strand (GAT on the coding strand, the reverse complement: DICER1 is on the minus strand); deleting any 3 consecutive bases within chr14:95,104,039-95,104,043 gives the same sequence; the c. name uses the placement nearest the transcript's 3' end. VCF-style (leftmost placement, unchanged base first): chr14-95104038-TATC-T. GRCh37 (hg19) VCF-style: chr14-95570375-TATC-T.
Other names: c.3355_3357del, p.Asp1119del (NM_001195573.1, NM_001271282.3, NM_001291628.2 and 12 more transcripts); c.3073_3075del, p.Asp1025del (NM_001395686.1); c.2950_2952del, p.Asp984del (NM_001395687.1, NM_001395688.1, NM_001395689.1 and 2 more transcripts); c.2788_2790del, p.Asp930del (NM_001395691.1); c.1672_1674del, p.Asp558del (NM_001395697.1); short protein forms D1025del, D930del, D1119del, D558del, D984del.
Identifiers: ClinVar variation 3719812 (VCV003719812.2).